The following is an entry in ClinVar:

NM_001374736.1(DST):c.16609G>T (p.Val5537Leu)

Gene: DST (dystonin; minus strand). Cytogenetic location: 6p12.1.
Variant type: single nucleotide variant.
Coding change: c.16609G>T on transcript NM_001374736.1 (MANE Select); coding-DNA position 16609, G replaced by T.
Protein change: p.Val5537Leu; replaces valine 5537 with leucine.
Molecular consequence: missense variant.
Genome position (GRCh38, 1-based): chr6:56,536,940, C>A on the plus strand (G>T on the coding strand, the complement: DST is on the minus strand). VCF-style: chr6-56536940-C-A. GRCh37 (hg19) VCF-style: chr6-56401738-C-A.
Other names: c.10252G>T, p.Val3418Leu (NM_001144769.5); c.9838G>T, p.Val3280Leu (NM_001144770.2); c.16609G>T, p.Val5537Leu (NM_001374722.1); c.15976G>T, p.Val5326Leu (NM_001374729.1); c.9718G>T, p.Val3240Leu (NM_001374730.1, NM_183380.4); c.16636G>T, p.Val5546Leu (NM_001374734.1); c.8740G>T, p.Val2914Leu (NM_015548.5); short protein forms V3240L, V5537L, V2914L, V3280L, V3418L, V5546L, V5326L.
Identifiers: ClinVar variation 968109 (VCV000968109.5), dbSNP rs199836343, ClinGen allele CA3867632.

ClinVar aggregate classification (germline): Uncertain significance (1 of 4 stars; one submission).

Conditions:
Hereditary sensory and autonomic neuropathy type 6. Also called: Neuropathy, hereditary sensory and autonomic, type VI; HSAN VI. Identifiers: Orphanet 314381, MedGen C3539003, MONDO:0013839, OMIM 614653.
Epidermolysis bullosa simplex 3, localized or generalized intermediate, with BP230 deficiency (EBS3). Also called: Epidermolysis bullosa simplex, autosomal recessive 2; Epidermolysis bullosa simplex due to BP230 deficiency. Identifiers: Orphanet 412181, MedGen C3809470, MONDO:0014180, OMIM 615425.

Allele frequency attached by ClinVar (database versions not stated): gnomAD 0.00038 and 0.00039; TOPMed 0.00046; ESP Exome Variant Server 0.00059; 1000 Genomes Project 0.00060; 1000 Genomes Project 30x 0.00062.
gnomAD v4.1: 128 of 1,613,286 alleles (0.0079%); highest among the groups gnomAD compares: African/African-American, 0.15%; no homozygotes.

Submission:

Labcorp Genetics (formerly Invitae), Labcorp
Classification: Uncertain significance for Epidermolysis bullosa simplex 3, localized or generalized intermediate, with BP230 deficiency; Hereditary sensory and autonomic neuropathy type 6. Last evaluated: 2022-07-06. Review status: criteria provided, single submitter. Criteria: Invitae Variant Classification Sherloc (09022015). Collection method: clinical testing. Allele origin: germline.
Comment: The DST gene has multiple clinically relevant transcripts. This variant occurs in alternate transcript NM_015548.4, and corresponds to NM_001723.5:c.*78577G>T in the primary transcript. This sequence change replaces valine, which is neutral and non-polar, with leucine, which is neutral and non-polar, at codon 2914 of the DST protein (p.Val2914Leu). This variant is present in population databases (rs199836343, gnomAD 0.1%). This variant has not been reported in the literature in individuals affected with DST-related conditions. ClinVar contains an entry for this variant (Variation ID: 968109). Experimental studies and prediction algorithms are not available or were not evaluated, and the functional significance of this variant is currently unknown. In summary, the available evidence is currently insufficient to determine the role of this variant in disease. Therefore, it has been classified as a Variant of Uncertain Significance.